The following is an entry in ClinVar:

ClinVar aggregate classification (germline): Uncertain significance (1 of 4 stars; one submission).

Conditions:
Progressive familial heart block type IB (PFHB1B). Identifiers: Orphanet 871, MedGen C1970298, MONDO:0011474, OMIM 604559.

gnomAD v4.1: 2 of 1,551,278 alleles (0.00013%); highest among the groups gnomAD compares: Admixed American, 0.0038%; no homozygotes.

Submission:

Labcorp Genetics (formerly Invitae), Labcorp
Classification: Uncertain significance for Progressive familial heart block type IB. Last evaluated: 2025-04-29. Review status: criteria provided, single submitter. Criteria: Invitae Variant Classification Sherloc (09022015). Collection method: clinical testing. Allele origin: germline.
Comment: This sequence change replaces alanine, which is neutral and non-polar, with valine, which is neutral and non-polar, at codon 821 of the TRPM4 protein (p.Ala821Val). The frequency data for this variant in the population databases is considered unreliable, as metrics indicate poor data quality at this position in the gnomAD database. This variant has not been reported in the literature in individuals affected with TRPM4-related conditions. An algorithm developed to predict the effect of missense changes on protein structure and function outputs the following: PolyPhen-2: "Benign". The valine amino acid residue is found in multiple mammalian species, which suggests that this missense change does not adversely affect protein function. In summary, the available evidence is currently insufficient to determine the role of this variant in disease. Therefore, it has been classified as a Variant of Uncertain Significance.

NM_017636.4(TRPM4):c.2462C>T (p.Ala821Val)

Gene: TRPM4 (transient receptor potential cation channel subfamily M member 4; plus strand). Cytogenetic location: 19q13.33.
Variant type: single nucleotide variant.
Coding change: c.2462C>T on transcript NM_017636.4 (MANE Select); coding-DNA position 2462, C replaced by T.
Protein change: p.Ala821Val; replaces alanine 821 with valine.
Molecular consequence: missense variant. On other transcripts: intron variant (1).
Genome position (GRCh38, 1-based): chr19:49,196,691, C>T. VCF-style: chr19-49196691-C-T. GRCh37 (hg19) VCF-style: chr19-49699948-C-T.
Other names: c.2117C>T, p.Ala706Val (NM_001321281.2); c.854C>T, p.Ala285Val (NM_001321282.2); c.1940C>T, p.Ala647Val (NM_001321283.2); c.1400C>T, p.Ala467Val (NM_001321285.2); c.2211-3609C>T (NM_001195227.2); short protein forms A285V, A706V, A467V, A647V, A821V.
Identifiers: ClinVar variation 4691126 (VCV004691126.1).